The following is an entry in ClinVar:

ClinVar aggregate classification (germline): Conflicting classifications of pathogenicity. Review status: criteria provided, conflicting classifications (1 of 4 stars). 6 submissions from 6 submitters: Pathogenic (1); Likely pathogenic (1); Uncertain significance (3). 1 of the submissions does not count toward it. Last evaluated 2026-01-24.

Conditions:
Nemaline myopathy 8 (NEM8). Also called: Nemaline myopathy 8, autosomal recessive. Identifiers: Orphanet 171430, MedGen C3809209, MONDO:0014138, OMIM 615348.

Allele frequency attached by ClinVar (database versions not stated): gnomAD exomes 0.00002; ExAC 0.00003; gnomAD 0.00006; TOPMed 0.00010; ESP Exome Variant Server 0.00015.
gnomAD v4.1: 37 of 1,613,612 alleles (0.0023%); highest among the groups gnomAD compares: African/African-American, 0.017%; no homozygotes.

Submissions (6):

Labcorp Genetics (formerly Invitae), Labcorp
Classification: Pathogenic for Nemaline myopathy 8. Last evaluated: 2026-01-24. Review status: criteria provided, single submitter. Criteria: Invitae Variant Classification Sherloc (09022015). Collection method: clinical testing. Allele origin: germline.
Comment: This sequence change replaces glycine, which is neutral and non-polar, with serine, which is neutral and polar, at codon 469 of the KLHL40 protein (p.Gly469Ser). This variant is present in population databases (rs367579275, gnomAD 0.02%). This missense change has been observed in individual(s) with clinical features of nemaline myopathy (PMID: 34930662; internal data). In at least one individual the data is consistent with being in trans (on the opposite chromosome) from a pathogenic variant. ClinVar contains an entry for this variant (Variation ID: 689641). Invitae Evidence Modeling of protein sequence and biophysical properties (such as structural, functional, and spatial information, amino acid conservation, physicochemical variation, residue mobility, and thermodynamic stability) has been performed for this missense variant. However, the output from this modeling did not meet the statistical confidence thresholds required to predict the impact of this variant on KLHL40 protein function. This variant disrupts the p.Gly469 amino acid residue in KLHL40. Other variant(s) that disrupt this residue have been determined to be pathogenic (PMID: 23746549, 25721947). This suggests that this residue is clinically significant, and that variants that disrupt this residue are likely to be disease-causing. For these reasons, this variant has been classified as Pathogenic.

Blueprint Genetics
Classification: Uncertain significance. Last evaluated: 2024-02-09. Review status: criteria provided, single submitter. Criteria: ACMG Guidelines, 2015. Collection method: clinical testing. Allele origin: germline.

GeneDx
Classification: Likely pathogenic. Last evaluated: 2023-12-19. Review status: criteria provided, single submitter. Criteria: GeneDx Variant Classification Process June 2021. Collection method: clinical testing. Allele origin: germline. Affected: yes.
Comment: In silico analysis supports that this missense variant has a deleterious effect on protein structure/function; This variant is associated with the following publications: (PMID: 34930662, 25721947, 23746549, 35131284, 36233295, 37025449)

MGZ Medical Genetics Center
Classification: Uncertain significance for Nemaline myopathy 8. Last evaluated: 2022-05-23. Review status: criteria provided, single submitter. Criteria: ACMG Guidelines, 2015. Collection method: clinical testing. Allele origin: germline. Affected: yes. Observed: 1 variant allele.
Comment: ACMG criteria applied: PM5, PM2_SUP, PP3

HudsonAlpha Institute for Biotechnology
Classification: Uncertain significance for Nemaline myopathy 8. Last evaluated: 2019-07-01. Review status: criteria provided, single submitter. Criteria: ACMG Guidelines, 2015. Collection method: research. Allele origin: unknown. Affected: yes. Observed: 1 variant allele. Study: CSER-SouthSeq.
Comment: ACMG codes: PM2, PM5, PP3

Al Jawhara Center for Molecular Medicine, Arabian Gulf University
Classification: Likely pathogenic for Nemaline myopathy 8. Last evaluated: 2023-01-20. Review status: no assertion criteria provided. Collection method: clinical testing. Allele origin: biparental. Affected: yes. Not counted in ClinVar's aggregate classification.
Comment: severe myopathy, nemaline rods, infancy death

homozygous, AR

Literature cited by the submitters: PubMed 34930662 (cited by Labcorp Genetics (formerly Invitae), Labcorp); PubMed 23746549 (cited by Labcorp Genetics (formerly Invitae), Labcorp); PubMed 25721947 (cited by Labcorp Genetics (formerly Invitae), Labcorp); DOI 10.3389/fgene.2023.1098102 (cited by Al Jawhara Center for Molecular Medicine, Arabian Gulf University).

NM_152393.4(KLHL40):c.1405G>A (p.Gly469Ser)

Gene: KLHL40 (kelch like family member 40; plus strand). Cytogenetic location: 3p22.1.
Variant type: single nucleotide variant.
Coding change: c.1405G>A on transcript NM_152393.4 (MANE Select); coding-DNA position 1405, G replaced by A.
Protein change: p.Gly469Ser; replaces glycine 469 with serine.
Molecular consequence: missense variant.
Genome position (GRCh38, 1-based): chr3:42,688,701, G>A. VCF-style: chr3-42688701-G-A. GRCh37 (hg19) VCF-style: chr3-42730193-G-A.
Other names: short protein forms G469S.
Identifiers: ClinVar variation 689641 (VCV000689641.20), dbSNP rs367579275, ClinGen allele CA2336947.